The following is an entry in ClinVar:

ClinVar aggregate classification (germline): Uncertain significance (1 of 4 stars; one submission).

Conditions:
TTN-related disorder. Also called: TTN-related disorders; TTN-related condition; TTN-related disease.

gnomAD v4.1: 4 of 1,613,658 alleles (0.00025%); highest among the groups gnomAD compares: Admixed American, 0.0033%; no homozygotes.

Submission:

PreventionGenetics, part of Exact Sciences
Classification: Uncertain significance for TTN-related condition. Last evaluated: 2026-04-14. Review status: criteria provided, single submitter. Criteria: ACMG Guidelines, 2015. Collection method: clinical testing. Allele origin: germline.
Comment: The TTN c.98537T>C variant is predicted to result in the amino acid substitution p.Ile32846Thr. To our knowledge, this variant has not been reported in the literature. This variant is reported in 0.0085% of alleles in individuals of Latino descent in gnomAD. At this time, the clinical significance of this variant is uncertain due to the absence of conclusive functional and genetic evidence.

NM_001267550.2(TTN):c.98537T>C (p.Ile32846Thr)

Genes: TTN (titin; minus strand), TTN-AS1 (TTN antisense RNA 1; plus strand). Cytogenetic location: 2q31.2.
Variant type: single nucleotide variant.
Coding change: c.98537T>C on transcript NM_001267550.2 (MANE Select); coding-DNA position 98537, T replaced by C.
Protein change: p.Ile32846Thr; replaces isoleucine 32846 with threonine.
Molecular consequence: missense variant. On other transcripts: non-coding transcript variant (1).
Genome position (GRCh38, 1-based): chr2:178,539,528, A>G on the plus strand (T>C on the coding strand, the complement: TTN is on the minus strand). VCF-style: chr2-178539528-A-G. GRCh37 (hg19) VCF-style: chr2-179404255-A-G.
Other names: c.93614T>C, p.Ile31205Thr (NM_001256850.1); c.71342T>C, p.Ile23781Thr (NM_003319.4); c.90833T>C, p.Ile30278Thr (NM_133378.4); c.71717T>C, p.Ile23906Thr (NM_133432.3); c.71918T>C, p.Ile23973Thr (NM_133437.4); short protein forms I23973T, I30278T, I31205T, I32846T, I23781T, I23906T.
Identifiers: ClinVar variation 4990209 (VCV004990209.1).